The following is an entry in ClinVar:

NM_001170700.3(DTHD1):c.271+2C>G

Gene: DTHD1 (death domain containing 1; plus strand). Cytogenetic location: 4p14.
Variant type: single nucleotide variant.
Coding change: c.271+2C>G on transcript NM_001170700.3 (MANE Select); the canonical splice donor site of the intron after coding-DNA position 271, C replaced by G.
Molecular consequence: splice donor variant.
Genome position (GRCh38, 1-based): chr4:36,282,031, C>G. VCF-style: chr4-36282031-C-G. GRCh37 (hg19) VCF-style: chr4-36283653-C-G.
Other names: c.17+2C>G (NM_001136536.5, NM_001378435.1).
Identifiers: ClinVar variation 2125651 (VCV002125651.4), dbSNP rs2529693517, ClinGen allele CA356677090.

ClinVar aggregate classification (germline): Uncertain significance (1 of 4 stars; one submission).

Submission:

Labcorp Genetics (formerly Invitae), Labcorp
Classification: Uncertain significance. Last evaluated: 2025-05-27. Review status: criteria provided, single submitter. Criteria: Invitae Variant Classification Sherloc (09022015). Collection method: clinical testing. Allele origin: germline.
Comment: This sequence change falls in intron 1 of the DTHD1 gene. It does not directly change the encoded amino acid sequence of the DTHD1 protein. It affects a nucleotide within the consensus splice site. This variant is not present in population databases (gnomAD no frequency). This variant has not been reported in the literature in individuals affected with DTHD1-related conditions. ClinVar contains an entry for this variant (Variation ID: 2125651). Variants that disrupt the consensus splice site are a relatively common cause of aberrant splicing (PMID: 17576681, 9536098). Algorithms developed to predict the effect of sequence changes on RNA splicing suggest that this variant may disrupt the consensus splice site. In summary, the available evidence is currently insufficient to determine the role of this variant in disease. Therefore, it has been classified as a Variant of Uncertain Significance.

Literature cited by the submitters: PubMed 17576681; PubMed 9536098.